The following is an entry in ClinVar:

ClinVar aggregate classification (germline): Uncertain significance (1 of 4 stars; one submission).

Allele frequency attached by ClinVar (database versions not stated): TOPMed 0.00001.

Submission:

Ambry Genetics
Classification: Uncertain significance. Last evaluated: 2023-08-13. Review status: criteria provided, single submitter. Criteria: Ambry Variant Classification Scheme 2023. Collection method: clinical testing. Allele origin: germline.
Comment: The p.P761L variant (also known as c.2282C>T), located in coding exon 4 of the ALPK2 gene, results from a C to T substitution at nucleotide position 2282. The proline at codon 761 is replaced by leucine, an amino acid with similar properties. This amino acid position is conserved. In addition, this alteration is predicted to be tolerated by in silico analysis. Since supporting evidence is limited at this time, the clinical significance of this alteration remains unclear.

NM_052947.4(ALPK2):c.2282C>T (p.Pro761Leu)

Gene: ALPK2 (alpha kinase 2; minus strand). Cytogenetic location: 18q21.31.
Variant type: single nucleotide variant.
Coding change: c.2282C>T on transcript NM_052947.4 (MANE Select); coding-DNA position 2282, C replaced by T.
Protein change: p.Pro761Leu; replaces proline 761 with leucine.
Molecular consequence: missense variant.
Genome position (GRCh38, 1-based): chr18:58,537,905, G>A on the plus strand (C>T on the coding strand, the complement: ALPK2 is on the minus strand). VCF-style: chr18-58537905-G-A. GRCh37 (hg19) VCF-style: chr18-56205137-G-A.
Other names: short protein forms P761L.
Identifiers: ClinVar variation 2624505 (VCV002624505.2), dbSNP rs2051663055, ClinGen allele CA402571095.
Genomic context (GRCh38, chr18:58,537,905, plus strand): 5'-GGTTCAGGGGAAGCAACAGAGACAGCCACAGGCTCCCTGAAGTCAGCACGAGCATCCTTG[G>A]GGAGATGCCTTGAGAACACACCTGGGGACATAGTCTCATCATTGGCTTCTGAGATGCTCT-3'
Protein context (NP_443179.3, residues 751-771): MSPGVFSRHL[Pro761Leu]KDARADFREP